The following is an entry in ClinVar:

NM_022455.5(NSD1):c.1864T>C (p.Cys622Arg)

Gene: NSD1 (nuclear receptor binding SET domain protein 1; plus strand). Cytogenetic location: 5q35.3.
Variant type: single nucleotide variant.
Coding change: c.1864T>C on transcript NM_022455.5 (MANE Select); coding-DNA position 1864, T replaced by C.
Protein change: p.Cys622Arg; replaces cysteine 622 with arginine.
Molecular consequence: missense variant.
Genome position (GRCh38, 1-based): chr5:177,210,263, T>C. VCF-style: chr5-177210263-T-C. GRCh37 (hg19) VCF-style: chr5-176637264-T-C.
Other names: c.991T>C, p.Cys331Arg (NM_001365684.2, NM_001409306.1, NM_001409307.1 and 3 more transcripts); c.1864T>C, p.Cys622Arg (NM_001409301.1, NM_001409302.1, NM_001409303.1); c.1444T>C, p.Cys482Arg (NM_001409304.1); c.1111T>C, p.Cys371Arg (NM_001409305.1); short protein forms C622R, C482R, C371R, C331R.
Identifiers: ClinVar variation 3631096 (VCV003631096.2).
Genomic context (GRCh38, chr5:177,210,263, plus strand): 5'-TGTTCTCGAGAGAAGAATAAACCCCAACGAAGCCTGGTGTGTGGTTCAAAAGTGAAGCTC[T>C]GCTATATTGGAGCAGGTGATGAGGAAAAGCGAAGTGATTCCATTAGTATCTGTACCACTT-3'
Protein context (NP_071900.2, residues 612-632): SLVCGSKVKL[Cys622Arg]YIGAGDEEKR

ClinVar aggregate classification (germline): Uncertain significance (1 of 4 stars; one submission).

Submission:

Labcorp Genetics (formerly Invitae), Labcorp
Classification: Uncertain significance. Last evaluated: 2023-11-19. Review status: criteria provided, single submitter. Criteria: Invitae Variant Classification Sherloc (09022015). Collection method: clinical testing. Allele origin: germline.
Comment: This sequence change replaces cysteine, which is neutral and slightly polar, with arginine, which is basic and polar, at codon 622 of the NSD1 protein (p.Cys622Arg). This variant is not present in population databases (gnomAD no frequency). This variant has not been reported in the literature in individuals affected with NSD1-related conditions. Advanced modeling of protein sequence and biophysical properties (such as structural, functional, and spatial information, amino acid conservation, physicochemical variation, residue mobility, and thermodynamic stability) performed at Invitae indicates that this missense variant is not expected to disrupt NSD1 protein function with a negative predictive value of 95%. In summary, the available evidence is currently insufficient to determine the role of this variant in disease. Therefore, it has been classified as a Variant of Uncertain Significance.